The following is an entry in ClinVar:

ClinVar aggregate classification (germline): Uncertain significance (1 of 4 stars; one submission).

Conditions:
Cardiovascular phenotype. Identifiers: MedGen CN230736.

Submission:

Ambry Genetics
Classification: Uncertain significance for Cardiovascular phenotype. Last evaluated: 2025-12-16. Review status: criteria provided, single submitter. Criteria: Ambry Variant Classification Scheme 2023. Collection method: clinical testing. Allele origin: germline.
Comment: The p.A2284P variant (also known as c.6850G>C), located in coding exon 30 of the AKAP9 gene, results from a G to C substitution at nucleotide position 6850. The alanine at codon 2284 is replaced by proline, an amino acid with highly similar properties. This amino acid position is conserved. In addition, this alteration is predicted to be tolerated by in silico analysis. Based on the available evidence, the clinical significance of this variant remains unclear.

NM_005751.5(AKAP9):c.6850G>C (p.Ala2284Pro)

Gene: AKAP9 (A-kinase anchoring protein 9; plus strand). Cytogenetic location: 7q21.2.
Variant type: single nucleotide variant.
Coding change: c.6850G>C on transcript NM_005751.5 (MANE Select); coding-DNA position 6850, G replaced by C.
Protein change: p.Ala2284Pro; replaces alanine 2284 with proline.
Molecular consequence: missense variant.
Genome position (GRCh38, 1-based): chr7:92,077,780, G>C. VCF-style: chr7-92077780-G-C. GRCh37 (hg19) VCF-style: chr7-91707094-G-C.
Other names: c.1495G>C, p.Ala499Pro (NM_001379277.1); c.6826G>C, p.Ala2276Pro (NM_147185.3); short protein forms A499P, A2276P, A2284P.
Identifiers: ClinVar variation 4842376 (VCV004842376.1).